The following is an entry in ClinVar:

ClinVar aggregate classification (germline): Conflicting classifications of pathogenicity. Review status: criteria provided, conflicting classifications (1 of 4 stars). 5 submissions from 5 submitters: Uncertain significance (1); Likely benign (4). Last evaluated 2025-12-15.

Conditions:
Spastic paraplegia. Identifiers: MedGen C0037772, HP:0001258.
SACS-related disorder. Also called: SACS-related condition.
Charlevoix-Saguenay spastic ataxia (SACS). Also called: AUTOSOMAL RECESSIVE SPASTIC ATAXIA OF CHARLEVOIX-SAGUENAY; SPASTIC ATAXIA 6, AUTOSOMAL RECESSIVE; Spastic ataxia of Charlevoix-Saguenay. Identifiers: Orphanet 98, MedGen C1849140, MONDO:0010041, OMIM 270550.

Allele frequency attached by ClinVar (database versions not stated): ExAC 0.00002; gnomAD 0.00005; TOPMed 0.00005; ESP Exome Variant Server 0.00008.
gnomAD v4.1: 151 of 1,613,972 alleles (0.0094%); highest among the groups gnomAD compares: Non-Finnish European, 0.012%; no homozygotes.

Submissions (5):

PreventionGenetics, part of Exact Sciences
Classification: Likely benign for SACS-related condition. Last evaluated: 2025-12-15. Review status: criteria provided, single submitter. Criteria: ACMG Guidelines, 2015. Collection method: clinical testing. Allele origin: germline.
Comment: This variant is classified as likely benign based on ACMG/AMP sequence variant interpretation guidelines (Richards et al. 2015 PMID: 25741868, with internal and published modifications).

CeGaT Center for Human Genetics Tuebingen
Classification: Likely benign. Last evaluated: 2025-06-01. Review status: criteria provided, single submitter. Criteria: CeGaT Center For Human Genetics Tuebingen Variant Classification Criteria Version 2. Collection method: clinical testing. Allele origin: germline. Affected: yes. Observed: 1 variant allele.
Comment: SACS: BP4, BP7

Labcorp Genetics (formerly Invitae), Labcorp
Classification: Likely benign for Spastic paraplegia. Last evaluated: 2024-05-31. Review status: criteria provided, single submitter. Criteria: Invitae Variant Classification Sherloc (09022015). Collection method: clinical testing. Allele origin: germline.

Genome-Nilou Lab
Classification: Likely benign for Charlevoix-Saguenay spastic ataxia. Last evaluated: 2021-09-05. Review status: criteria provided, single submitter. Criteria: ACMG Guidelines, 2015. Collection method: clinical testing. Allele origin: germline. Affected: no.

Illumina Laboratory Services, Illumina
Classification: Uncertain significance for Charlevoix-Saguenay spastic ataxia. Last evaluated: 2018-01-12. Review status: criteria provided, single submitter. Criteria: ICSL Variant Classification Criteria 13 December 2019. Collection method: clinical testing. Allele origin: germline.

NM_014363.6(SACS):c.7614A>C (p.Ala2538=)

Gene: SACS (sacsin molecular chaperone; minus strand). Cytogenetic location: 13q12.12.
Variant type: single nucleotide variant.
Coding change: c.7614A>C on transcript NM_014363.6 (MANE Select); coding-DNA position 7614, A replaced by C.
Protein change: p.Ala2538=; no amino-acid change (alanine 2538 retained).
Molecular consequence: synonymous variant.
Genome position (GRCh38, 1-based): chr13:23,336,262, T>G on the plus strand (A>C on the coding strand, the complement: SACS is on the minus strand). VCF-style: chr13-23336262-T-G. GRCh37 (hg19) VCF-style: chr13-23910401-T-G.
Other names: c.7173A>C, p.Ala2391= (NM_001278055.2).
Identifiers: ClinVar variation 882428 (VCV000882428.24), dbSNP rs142697365, ClinGen allele CA6910883.
Genomic context (GRCh38, chr13:23,336,262, plus strand): 5'-CGCCTTTGCATCATCAGCATTTTGAAGAAGCTCTTTCAACATTTCCTTTTCAGAAGGATA[T>G]GCATTAAGGATGCTCTTAATTCTGCTGGTCAATTTTTCTTTCTGCCCAAATTCTGTGCCA-3'
Protein context (NP_055178.3, residues 2528-2548): LTSRIKSILN[Ala2538=]YPSEKEMLKE